The following is an entry in ClinVar:

NM_001165963.4(SCN1A):c.5410G>A (p.Asp1804Asn)

Genes: SCN1A (sodium voltage-gated channel alpha subunit 1; minus strand), LOC102724058 (uncharacterized LOC102724058; plus strand). Cytogenetic location: 2q24.3.
Variant type: single nucleotide variant.
Coding change: c.5410G>A on transcript NM_001165963.4 (MANE Select); coding-DNA position 5410, G replaced by A.
Protein change: p.Asp1804Asn; replaces aspartic acid 1804 with asparagine.
Molecular consequence: missense variant. On other transcripts: non-coding transcript variant (1).
Genome position (GRCh38, 1-based): chr2:165,991,865, C>T on the plus strand (G>A on the coding strand, the complement: SCN1A is on the minus strand). VCF-style: chr2-165991865-C-T. GRCh37 (hg19) VCF-style: chr2-166848375-C-T.
Other names: c.5326G>A, p.Asp1776Asn (NM_001165964.3, NM_001353957.2, NM_001353958.2); c.5410G>A, p.Asp1804Asn (NM_001202435.3, NM_001353948.2); c.5377G>A, p.Asp1793Asn (NM_001353949.2, NM_001353950.2, NM_001353951.2 and 2 more transcripts); c.5374G>A, p.Asp1792Asn (NM_001353954.2, NM_001353955.2); c.5323G>A, p.Asp1775Asn (NM_001353960.2); c.2968G>A, p.Asp990Asn (NM_001353961.2); short protein forms D1776N, D1793N, D1804N, D990N, D1775N, D1792N.
Identifiers: ClinVar variation 1523055 (VCV001523055.7), dbSNP rs2105428229, ClinGen allele CA349067735.

ClinVar aggregate classification (germline): Uncertain significance (1 of 4 stars; one submission).

Conditions:
Early-infantile DEE. Also called: Early infantile epileptic encephalopathy; Early infantile epileptic encephalopathy with suppression bursts; Ohtahara syndrome. Identifiers: Orphanet 1934, MedGen C0393706, MONDO:0800491.

Submission:

Labcorp Genetics (formerly Invitae), Labcorp
Classification: Uncertain significance for Early-infantile DEE. Last evaluated: 2024-10-15. Review status: criteria provided, single submitter. Criteria: Invitae Variant Classification Sherloc (09022015). Collection method: clinical testing. Allele origin: germline.
Comment: This sequence change replaces aspartic acid, which is acidic and polar, with asparagine, which is neutral and polar, at codon 1804 of the SCN1A protein (p.Asp1804Asn). This variant is not present in population databases (gnomAD no frequency). This variant has not been reported in the literature in individuals affected with SCN1A-related conditions. ClinVar contains an entry for this variant (Variation ID: 1523055). Invitae Evidence Modeling of protein sequence and biophysical properties (such as structural, functional, and spatial information, amino acid conservation, physicochemical variation, residue mobility, and thermodynamic stability) indicates that this missense variant is expected to disrupt SCN1A protein function with a positive predictive value of 95%. In summary, the available evidence is currently insufficient to determine the role of this variant in disease. Therefore, it has been classified as a Variant of Uncertain Significance.